The following is an entry in ClinVar:

NM_005219.5(DIAPH1):c.3675C>T (p.Ala1225=)

Gene: DIAPH1 (diaphanous related formin 1; minus strand). Cytogenetic location: 5q31.3.
Variant type: single nucleotide variant.
Coding change: c.3675C>T on transcript NM_005219.5 (MANE Select); coding-DNA position 3675, C replaced by T.
Protein change: p.Ala1225=; no amino-acid change (alanine 1225 retained).
Molecular consequence: synonymous variant. On other transcripts: missense variant (1).
Genome position (GRCh38, 1-based): chr5:141,516,995, G>A on the plus strand (C>T on the coding strand, the complement: DIAPH1 is on the minus strand). VCF-style: chr5-141516995-G-A. GRCh37 (hg19) VCF-style: chr5-140896562-G-A.
Other names: c.3728C>T (NM_001314007.1); c.3648C>T, p.Ala1216= (NM_001079812.3); c.3728C>T, p.Pro1243Leu (NM_001314007.2); short protein forms P1243L.
Identifiers: ClinVar variation 475708 (VCV000475708.13), dbSNP rs371385202, ClinGen allele CA3478678.

ClinVar aggregate classification (germline): Likely benign. Review status: criteria provided, multiple submitters, no conflicts (2 of 4 stars). 3 submissions from 3 submitters: Likely benign (2). 1 of the submissions does not count toward it. Last evaluated 2025-12-25.

Conditions:
DIAPH1-related disorder. Also called: DIAPH1-related condition.
Progressive microcephaly-seizures-cortical blindness-developmental delay syndrome. Also called: Seizures, cortical blindness, and microcephaly syndrome. Identifiers: Orphanet 477814, MedGen C5567650, MONDO:0014714, OMIM 616632.
Autosomal dominant nonsyndromic hearing loss 1. Also called: KONIGSMARK SYNDROME; DEAFNESS, AUTOSOMAL DOMINANT 1, WITH OR WITHOUT THROMBOCYTOPENIA. Identifiers: Orphanet 90635, MedGen C1852282, MONDO:0007424, OMIM 124900.

Allele frequency attached by ClinVar (database versions not stated): ExAC 0.00001; gnomAD 0.00002; TOPMed 0.00002; gnomAD exomes 0.00004 and 0.00009; ESP Exome Variant Server 0.00008.
gnomAD v4.1: 134 of 1,614,052 alleles (0.0083%); highest among the groups gnomAD compares: Non-Finnish European, 0.011%; no homozygotes.

Submissions (3):

Labcorp Genetics (formerly Invitae), Labcorp
Classification: Likely benign for Progressive microcephaly-seizures-cortical blindness-developmental delay syndrome; Autosomal dominant nonsyndromic hearing loss 1. Last evaluated: 2025-12-25. Review status: criteria provided, single submitter. Criteria: Invitae Variant Classification Sherloc (09022015). Collection method: clinical testing. Allele origin: germline.

ARUP Laboratories, Molecular Genetics and Genomics, ARUP Laboratories
Classification: Likely benign. Last evaluated: 2023-09-15. Review status: criteria provided, single submitter. Criteria: ARUP Molecular Germline Variant Investigation Process 2024. Collection method: clinical testing. Allele origin: germline.

PreventionGenetics, part of Exact Sciences
Classification: Likely benign for DIAPH1-related condition. Last evaluated: 2019-03-26. Review status: no assertion criteria provided. Collection method: clinical testing. Allele origin: germline. Not counted in ClinVar's aggregate classification.
Comment: This variant is classified as likely benign based on ACMG/AMP sequence variant interpretation guidelines (Richards et al. 2015 PMID: 25741868, with internal and published modifications).